The following is an entry in ClinVar:

NM_020843.4(SCAPER):c.1566G>A (p.Gly522=)

Gene: SCAPER (S-phase cyclin A associated protein in the ER; minus strand). Cytogenetic location: 15q24.3.
Variant type: single nucleotide variant.
Coding change: c.1566G>A on transcript NM_020843.4 (MANE Select); coding-DNA position 1566, G replaced by A.
Protein change: p.Gly522=; no amino-acid change (glycine 522 retained).
Molecular consequence: synonymous variant. On other transcripts: non-coding transcript variant (1).
Genome position (GRCh38, 1-based): chr15:76,765,384, C>T on the plus strand (G>A on the coding strand, the complement: SCAPER is on the minus strand). VCF-style: chr15-76765384-C-T. GRCh37 (hg19) VCF-style: chr15-77057725-C-T.
Other names: c.828G>A, p.Gly276= (NM_001145923.2); c.1584G>A, p.Gly528= (NM_001353009.2); c.1164G>A, p.Gly388= (NM_001353010.2, NM_001353012.2); c.1182G>A, p.Gly394= (NM_001353011.2).
Identifiers: ClinVar variation 3390154 (VCV003390154.14).

ClinVar aggregate classification (germline): Likely benign (1 of 4 stars; one submission).

Submission:

CeGaT Center for Human Genetics Tuebingen
Classification: Likely benign. Last evaluated: 2024-11-01. Review status: criteria provided, single submitter. Criteria: CeGaT Center For Human Genetics Tuebingen Variant Classification Criteria Version 2. Collection method: clinical testing. Allele origin: germline. Affected: yes. Observed: 1 variant allele.
Comment: SCAPER: PM2:Supporting, BP4, BP7